The following is an entry in ClinVar:

NM_000294.3(PHKG2):c.836G>A (p.Arg279His)

Gene: PHKG2 (phosphorylase kinase catalytic subunit gamma 2; plus strand). Cytogenetic location: 16p11.2.
Variant type: single nucleotide variant.
Coding change: c.836G>A on transcript NM_000294.3 (MANE Select); coding-DNA position 836, G replaced by A.
Protein change: p.Arg279His; replaces arginine 279 with histidine.
Molecular consequence: missense variant.
Genome position (GRCh38, 1-based): chr16:30,756,624, G>A. VCF-style: chr16-30756624-G-A. GRCh37 (hg19) VCF-style: chr16-30767945-G-A.
Other names: p.Arg279His; c.836G>A, p.Arg279His (NM_001172432.2); c.836G>A (NM_000294.2); short protein forms R279H.
Identifiers: ClinVar variation 1339176 (VCV001339176.4), dbSNP rs2151310526, ClinGen allele CA395659252.

ClinVar aggregate classification (germline): Uncertain significance. Review status: criteria provided, multiple submitters, no conflicts (2 of 4 stars). 3 submissions from 3 submitters: Uncertain significance (3). Last evaluated 2025-08-17.

Conditions:
Inborn genetic diseases. Identifiers: MedGen C0950123, MeSH D030342.
Glycogen storage disease IXc (GSD9C). Also called: GSD IXc. Identifiers: Orphanet 264580, MedGen C2751643, MONDO:0013091, OMIM 613027.

gnomAD v4.1: 1 of 1,614,002 alleles (0.000062%); highest among the groups gnomAD compares: Non-Finnish European, 0.000085%; no homozygotes.

Submissions (3):

Department of Molecular Genetics, Istishari Arab Hospital
Classification: Uncertain significance for Glycogen storage disease IXc. Last evaluated: 2025-08-17. Review status: criteria provided, single submitter. Criteria: ACMG Guidelines, 2015. Collection method: clinical testing. Allele origin: germline. Inheritance: Autosomal recessive inheritance. Affected: yes.
Comment: The PHKG2 variant c.836G>A, p.Arg279His causes an amino acid change from Arg to His at position 279. To the best of our knowledge, this variant was not previously reported in the literature. It is observed at an extremely low frequency in the gnomAD v4.1.0 dataset (total allele frequency: <0.001%). A different missense change at the same codon (p.Arg279Cys) has been reported as pathogenic/likely pathogenic with strong evidence ( PMID: 31508908). It is classified as variant of uncertain significance (class 3) based on ACMG/AMP/ClinGen SVI guidelines.

Ambry Genetics
Classification: Uncertain significance for Inborn genetic diseases. Last evaluated: 2023-12-14. Review status: criteria provided, single submitter. Criteria: Ambry Variant Classification Scheme 2023. Collection method: clinical testing. Allele origin: germline.

Neuberg Centre For Genomic Medicine, NCGM
Classification: Uncertain significance for Glycogen storage disease IXc. Review status: criteria provided, single submitter. Criteria: ACMG Guidelines, 2015. Collection method: clinical testing. Allele origin: germline. Affected: yes.
Comment: The missense variant p.R279H in PHKG2 (NM_000294.3) has not been reported previously as a pathogenic variant nor as a benign variant, to our knowledge. The p.R279H variant is novel (not in any individuals) in gnomAD Exomes and is novel (not in any individuals) in 1000 Genomes. The p.R279H missense variant is predicted to be damaging by both SIFT and PolyPhen2. The arginine residue at codon 279 of PHKG2 is conserved in all mammalian species. The nucleotide c.836 in PHKG2 is predicted conserved by GERP++ and PhyloP across 100 vertebrates. For these reasons, this variant has been classified as Uncertain Significance.

Literature cited by the submitters: PubMed 31508908 (cited by Department of Molecular Genetics, Istishari Arab Hospital).